The following is an entry in ClinVar:

NM_000051.4(ATM):c.6007-9T>C

Genes: ATM (ATM serine/threonine kinase; plus strand), C11orf65 (chromosome 11 open reading frame 65; minus strand). Cytogenetic location: 11q22.3.
Variant type: single nucleotide variant.
Coding change: c.6007-9T>C on transcript NM_000051.4 (MANE Select); 9 bases into the intron before coding-DNA position 6007, T replaced by C.
Molecular consequence: intron variant.
Genome position (GRCh38, 1-based): chr11:108,315,814, T>C. VCF-style: chr11-108315814-T-C. GRCh37 (hg19) VCF-style: chr11-108186541-T-C.
Other names: c.6007-9T>C (NM_001351834.2); c.641-6743A>G (NM_001330368.2); c.*39-6743A>G (NM_001351110.2).
Identifiers: ClinVar variation 670044 (VCV000670044.10), dbSNP rs1591776333, ClinGen allele CA915947645.

ClinVar aggregate classification (germline): Likely benign. Review status: criteria provided, multiple submitters, no conflicts (2 of 4 stars). 3 submissions from 3 submitters: Likely benign (3). Last evaluated 2023-01-09.

Conditions:
Ataxia-telangiectasia syndrome (AT). Also called: Ataxia-telangiectasia, complementation group D; AT, COMPLEMENTATION GROUP C; ATAXIA-TELANGIECTASIA, COMPLEMENTATION GROUP A; ATAXIA-TELANGIECTASIA, FRESNO VARIANT; Ataxia-telangiectasia; LOUIS-BAR SYNDROME. Identifiers: Orphanet 100, MedGen C0004135, MONDO:0008840, OMIM 208900.
Hereditary cancer-predisposing syndrome. Also called: Tumor predisposition; Hereditary neoplastic syndrome; Neoplastic Syndromes, Hereditary; Hereditary Cancer Syndrome. Identifiers: Orphanet 140162, MedGen C0027672, MeSH D009386, MONDO:0015356.

Submissions (3):

Color Diagnostics, LLC DBA Color Health
Classification: Likely benign for Hereditary cancer-predisposing syndrome. Last evaluated: 2023-01-09. Review status: criteria provided, single submitter. Criteria: ACMG Guidelines, 2015. Collection method: clinical testing. Allele origin: germline.

Labcorp Genetics (formerly Invitae), Labcorp
Classification: Likely benign for Ataxia-telangiectasia syndrome. Last evaluated: 2020-12-27. Review status: criteria provided, single submitter. Criteria: Invitae Variant Classification Sherloc (09022015). Collection method: clinical testing. Allele origin: germline.

GeneDx
Classification: Likely benign. Last evaluated: 2018-06-12. Review status: criteria provided, single submitter. Criteria: GeneDx Variant Classification (06012015). Collection method: clinical testing. Allele origin: germline. Affected: yes.
Comment: This variant is considered likely benign or benign based on one or more of the following criteria: it is a conservative change, it occurs at a poorly conserved position in the protein, it is predicted to be benign by multiple in silico algorithms, and/or has population frequency not consistent with disease.